The following is an entry in ClinVar:

ClinVar aggregate classification (germline): Uncertain significance (1 of 4 stars; one submission).

Submission:

Labcorp Genetics (formerly Invitae), Labcorp
Classification: Uncertain significance. Last evaluated: 2022-01-14. Review status: criteria provided, single submitter. Criteria: Invitae Variant Classification Sherloc (09022015). Collection method: clinical testing. Allele origin: germline.
Comment: Algorithms developed to predict the effect of missense changes on protein structure and function (SIFT, PolyPhen-2, Align-GVGD) all suggest that this variant is likely to be tolerated. In summary, the available evidence is currently insufficient to determine the role of this variant in disease. Therefore, it has been classified as a Variant of Uncertain Significance. This sequence change replaces proline, which is neutral and non-polar, with serine, which is neutral and polar, at codon 415 of the HPS1 protein (p.Pro415Ser). This variant is not present in population databases (gnomAD no frequency). This variant has not been reported in the literature in individuals affected with HPS1-related conditions.

NM_000195.5(HPS1):c.1243C>T (p.Pro415Ser)

Gene: HPS1 (HPS1 biogenesis of lysosomal organelles complex 3 subunit 1; minus strand). Cytogenetic location: 10q24.2.
Variant type: single nucleotide variant.
Coding change: c.1243C>T on transcript NM_000195.5 (MANE Select); coding-DNA position 1243, C replaced by T.
Protein change: p.Pro415Ser; replaces proline 415 with serine.
Molecular consequence: missense variant.
Genome position (GRCh38, 1-based): chr10:98,425,633, G>A on the plus strand (C>T on the coding strand, the complement: HPS1 is on the minus strand). VCF-style: chr10-98425633-G-A. GRCh37 (hg19) VCF-style: chr10-100185390-G-A.
Other names: c.271C>T, p.Pro91Ser (NM_001311345.2, NM_001322487.2, NM_001322489.2); c.1243C>T, p.Pro415Ser (NM_001322476.2, NM_001322477.2); c.1144C>T, p.Pro382Ser (NM_001322478.2, NM_001322479.2); c.982C>T, p.Pro328Ser (NM_001322480.2, NM_001322481.2); c.883C>T, p.Pro295Ser (NM_001322482.2); c.874C>T, p.Pro292Ser (NM_001322483.2, NM_001322484.2); c.775C>T, p.Pro259Ser (NM_001322485.2); short protein forms P292S, P91S, P415S, P259S, P295S, P328S, P382S.
Identifiers: ClinVar variation 1464358 (VCV001464358.8), dbSNP rs2136153845, ClinGen allele CA378047756.